The following is an entry in ClinVar:

NM_016222.4(DDX41):c.464T>C (p.Met155Thr)

Gene: DDX41 (DEAD-box helicase 41; minus strand). Cytogenetic location: 5q35.3.
Variant type: single nucleotide variant.
Coding change: c.464T>C on transcript NM_016222.4 (MANE Select); coding-DNA position 464, T replaced by C.
Protein change: p.Met155Thr; replaces methionine 155 with threonine.
Molecular consequence: missense variant.
Genome position (GRCh38, 1-based): chr5:177,515,792, A>G on the plus strand (T>C on the coding strand, the complement: DDX41 is on the minus strand). VCF-style: chr5-177515792-A-G. GRCh37 (hg19) VCF-style: chr5-176942793-A-G.
Other names: c.86T>C, p.Met29Thr (NM_001321732.2, NM_001321830.2); c.464T>C (NM_016222.2); short protein forms M29T, M155T.
Identifiers: ClinVar variation 3000839 (VCV003000839.4), dbSNP rs755669218, ClinGen allele CA3585191.
Genomic context (GRCh38, chr5:177,515,792, plus strand): 5'-CCGTCTCCCTCCACCAGGATGTGGTATTTCTTCCGCACGCGCTCATGTCGCTCTTCAGAC[A>G]TGCTCAGAACATAACGGGGTGGAGTCCAGCTGTGGATGGGTAACAGGGATCAAGAGAGCC-3'
Protein context (NP_057306.2, residues 145-165): SWTPPRYVLS[Met155Thr]SEERHERVRK

ClinVar aggregate classification (germline): Uncertain significance. Review status: criteria provided, multiple submitters, no conflicts (2 of 4 stars). 2 submissions from 2 submitters: Uncertain significance (2). Last evaluated 2023-12-06.

Allele frequency attached by ClinVar (database versions not stated): gnomAD exomes below 0.00001; ExAC 0.00001.

Submissions (2):

Labcorp Genetics (formerly Invitae), Labcorp
Classification: Uncertain significance. Last evaluated: 2023-12-06. Review status: criteria provided, single submitter. Criteria: Invitae Variant Classification Sherloc (09022015). Collection method: clinical testing. Allele origin: germline.
Comment: This sequence change replaces methionine, which is neutral and non-polar, with threonine, which is neutral and polar, at codon 155 of the DDX41 protein (p.Met155Thr). This variant is present in population databases (rs755669218, gnomAD 0.003%). This missense change has been observed in individual(s) with myeloproliferative neoplasm (PMID: 35671390). An algorithm developed to predict the effect of missense changes on protein structure and function (PolyPhen-2) suggests that this variant is likely to be tolerated. In summary, the available evidence is currently insufficient to determine the role of this variant in disease. Therefore, it has been classified as a Variant of Uncertain Significance.

GeneDx
Classification: Uncertain significance. Last evaluated: 2023-06-09. Review status: criteria provided, single submitter. Criteria: GeneDx Variant Classification Process June 2021. Collection method: clinical testing. Allele origin: germline. Affected: yes.
Comment: Not observed at significant frequency in large population cohorts (gnomAD); In silico analysis supports that this missense variant has a deleterious effect on protein structure/function; Has not been previously published as pathogenic or benign to our knowledge

Literature cited by the submitters: PubMed 35671390 (cited by Labcorp Genetics (formerly Invitae), Labcorp).